The following is an entry in ClinVar:

NM_014515.7(CNOT2):c.920A>G (p.Lys307Arg)

Gene: CNOT2 (CCR4-NOT transcription complex subunit 2; plus strand). Cytogenetic location: 12q15.
Variant type: single nucleotide variant.
Coding change: c.920A>G on transcript NM_014515.7 (MANE Select); coding-DNA position 920, A replaced by G.
Protein change: p.Lys307Arg; replaces lysine 307 with arginine.
Molecular consequence: missense variant. On other transcripts: non-coding transcript variant (1).
Genome position (GRCh38, 1-based): chr12:70,338,462, A>G. VCF-style: chr12-70338462-A-G. GRCh37 (hg19) VCF-style: chr12-70732242-A-G.
Other names: c.920A>G, p.Lys307Arg (NM_001199302.2, NM_001199303.2, NM_001414651.1 and 1 more transcripts); c.893A>G, p.Lys298Arg (NM_001414653.1, NM_001414654.1, NM_001414655.1); c.878A>G, p.Lys293Arg (NM_001414656.1); c.860A>G, p.Lys287Arg (NM_001414657.1, NM_001414658.1, NM_001414659.1 and 1 more transcripts); c.797A>G, p.Lys266Arg (NM_001414661.1); c.737A>G, p.Lys246Arg (NM_001414662.1); short protein forms K246R, K266R, K287R, K293R, K298R, K307R.
Identifiers: ClinVar variation 4687798 (VCV004687798.1).

ClinVar aggregate classification (germline): Uncertain significance (1 of 4 stars; one submission).

gnomAD v4.1: 4 of 1,609,460 alleles (0.00025%); highest among the groups gnomAD compares: Non-Finnish European, 0.00034%; no homozygotes.

Submission:

Women's Health and Genetics/Laboratory Corporation of America, LabCorp
Classification: Uncertain significance. Last evaluated: 2025-10-23. Review status: criteria provided, single submitter. Criteria: LabCorp Variant Classification Summary - May 2015. Collection method: clinical testing. Allele origin: germline.
Comment: Variant summary: CNOT2 c.920A>G (p.Lys307Arg) results in a conservative amino acid change in the encoded protein sequence. Algorithms developed to predict the effect of missense changes on protein structure and function are either unavailable or do not agree on the potential impact of this missense change. The variant allele was found at a frequency of 4.1e-06 in 246786 control chromosomes. The available data on variant occurrences in the general population are insufficient to allow any conclusion about variant significance. To our knowledge, no occurrence of c.920A>G in individuals affected with CNOT2-related conditions and no experimental evidence demonstrating its impact on protein function have been reported. No submitters have cited clinical-significance assessments for this variant to ClinVar. Based on the evidence outlined above, the variant was classified as uncertain significance.